The following is an entry in ClinVar:

ClinVar aggregate classification (germline): Uncertain significance (1 of 4 stars; one submission).

Submission:

Labcorp Genetics (formerly Invitae), Labcorp
Classification: Uncertain significance. Last evaluated: 2025-09-15. Review status: criteria provided, single submitter. Criteria: Invitae Variant Classification Sherloc (09022015). Collection method: clinical testing. Allele origin: germline.
Comment: This sequence change replaces serine, which is neutral and polar, with tryptophan, which is neutral and slightly polar, at codon 654 of the A2ML1 protein (p.Ser654Trp). This variant is not present in population databases (gnomAD no frequency). This variant has not been reported in the literature in individuals affected with A2ML1-related conditions. ClinVar contains an entry for this variant (Variation ID: 2791660). An algorithm developed to predict the effect of missense changes on protein structure and function outputs the following: PolyPhen-2: "Benign". The tryptophan amino acid residue is found in multiple mammalian species, which suggests that this missense change does not adversely affect protein function. In summary, the available evidence is currently insufficient to determine the role of this variant in disease. Therefore, it has been classified as a Variant of Uncertain Significance.

NM_144670.6(A2ML1):c.1961C>G (p.Ser654Trp)

Gene: A2ML1 (alpha-2-macroglobulin like 1; plus strand). Cytogenetic location: 12p13.31.
Variant type: single nucleotide variant.
Coding change: c.1961C>G on transcript NM_144670.6 (MANE Select); coding-DNA position 1961, C replaced by G.
Protein change: p.Ser654Trp; replaces serine 654 with tryptophan.
Molecular consequence: missense variant.
Genome position (GRCh38, 1-based): chr12:8,848,847, C>G. VCF-style: chr12-8848847-C-G. GRCh37 (hg19) VCF-style: chr12-9001443-C-G.
Other names: c.488C>G, p.Ser163Trp (NM_001282424.3); short protein forms S163W, S654W.
Identifiers: ClinVar variation 2791660 (VCV002791660.3), dbSNP rs932293502, ClinGen allele CA232683196.